The following is an entry in ClinVar:

NM_003802.3(MYH13):c.2417AGA[1] (p.Lys807del)

Gene: MYH13 (myosin heavy chain 13; minus strand). Cytogenetic location: 17p13.1.
Variant type: Microsatellite.
Coding change: c.2417AGA[1] on transcript NM_003802.3 (MANE Select); one copy of the 3-base unit AGA starting at c.2417; the reference has two copies in a row; one copy, 3 bases deleted.
Protein change: p.Lys807del; deletes lysine 807.
Molecular consequence: inframe deletion.
Genome position (GRCh38, 1-based): chr17:10,330,400-10,330,402, TCT deleted on the plus strand (AGA on the coding strand, the reverse complement: MYH13 is on the minus strand); deleting any 3 consecutive bases within chr17:10,330,400-10,330,406 gives the same sequence; the position shown is the placement nearest the transcript's 3' end. VCF-style (leftmost placement, unchanged base first): chr17-10330399-ATCT-A. GRCh37 (hg19) VCF-style: chr17-10233716-ATCT-A.
Other names: short protein forms K807del.
Identifiers: ClinVar variation 2647469 (VCV002647469.24), dbSNP rs552445861, ClinGen allele CA8386083.
Genomic context (GRCh38, chr17:10,330,399, plus strand): 5'-TGCTAAGCAGAGAGGGCAGGATAAGGTGGAGGTGAGGGTCTGTGTCACCTCCTCTCCATC[ATCT>A]TCTTGAACTCCACCCGCATCAGGTACCCCCTGCACACCGCCTGCGTGCTTGTCATCAGCG-3'

ClinVar aggregate classification (germline): Likely benign (1 of 4 stars; one submission).

Submission:

CeGaT Center for Human Genetics Tuebingen
Classification: Likely benign. Last evaluated: 2023-04-01. Review status: criteria provided, single submitter. Criteria: CeGaT Center For Human Genetics Tuebingen Variant Classification Criteria Version 2. Collection method: clinical testing. Allele origin: germline. Affected: yes. Observed: 2 variant alleles.
Comment: MYH13: BS2